The following is an entry in ClinVar:

NM_001278431.2(C1QTNF5):c.432C>G (p.Thr144=)

Genes: C1QTNF5 (C1q and TNF related 5; minus strand), MFRP (membrane frizzled-related protein; minus strand). Cytogenetic location: 11q23.3.
Variant type: single nucleotide variant.
Coding change: c.432C>G on transcript NM_001278431.2 (MANE Select); coding-DNA position 432, C replaced by G.
Protein change: p.Thr144=; no amino-acid change (threonine 144 retained).
Molecular consequence: synonymous variant. On other transcripts: 3 prime UTR variant (1).
Genome position (GRCh38, 1-based): chr11:119,339,631, G>C on the plus strand (C>G on the coding strand, the complement: C1QTNF5 is on the minus strand). VCF-style: chr11-119339631-G-C. GRCh37 (hg19) VCF-style: chr11-119210341-G-C.
Other names: c.432C>G, p.Thr144= (NM_015645.5); c.*1328C>G (NM_031433.4); c.432C>G (NM_001278431.1).
Identifiers: ClinVar variation 755750 (VCV000755750.10), dbSNP rs376231714, ClinGen allele CA6319941.

ClinVar aggregate classification (germline): Likely benign. Review status: criteria provided, multiple submitters, no conflicts (2 of 4 stars). 3 submissions from 3 submitters: Likely benign (3). Last evaluated 2025-07-14.

Conditions:
C1QTNF5-related disorder. Also called: C1QTNF5-related condition.

Allele frequency attached by ClinVar (database versions not stated): gnomAD 0.00003; gnomAD exomes 0.00005 and 0.00010; ExAC 0.00008; ESP Exome Variant Server 0.00008; TOPMed 0.00010.
gnomAD v4.1: 151 of 1,612,904 alleles (0.0094%); highest among the groups gnomAD compares: Non-Finnish European, 0.012%; no homozygotes.

Submissions (3):

PreventionGenetics, part of Exact Sciences
Classification: Likely benign for C1QTNF5-related condition. Last evaluated: 2025-07-14. Review status: criteria provided, single submitter. Criteria: ACMG Guidelines, 2015. Collection method: clinical testing. Allele origin: germline.
Comment: This variant is classified as likely benign based on ACMG/AMP sequence variant interpretation guidelines (Richards et al. 2015 PMID: 25741868, with internal and published modifications).

Labcorp Genetics (formerly Invitae), Labcorp
Classification: Likely benign. Last evaluated: 2025-04-01. Review status: criteria provided, single submitter. Criteria: Invitae Variant Classification Sherloc (09022015). Collection method: clinical testing. Allele origin: germline.

Blueprint Genetics
Classification: Likely benign. Last evaluated: 2023-08-23. Review status: criteria provided, single submitter. Criteria: ACMG Guidelines, 2015. Collection method: clinical testing. Allele origin: germline.